The following is an entry in ClinVar:

NM_005902.4(SMAD3):c.364G>A (p.Val122Met)

Gene: SMAD3 (SMAD family member 3; plus strand). Cytogenetic location: 15q22.33.
Variant type: single nucleotide variant.
Coding change: c.364G>A on transcript NM_005902.4 (MANE Select); coding-DNA position 364, G replaced by A.
Protein change: p.Val122Met; replaces valine 122 with methionine.
Molecular consequence: missense variant.
Genome position (GRCh38, 1-based): chr15:67,165,052, G>A. VCF-style: chr15-67165052-G-A. GRCh37 (hg19) VCF-style: chr15-67457390-G-A.
Other names: c.49G>A, p.Val17Met (NM_001145102.2); c.232G>A, p.Val78Met (NM_001145103.2); short protein forms V122M, V17M, V78M.
Identifiers: ClinVar variation 155836 (VCV000155836.11), dbSNP rs587782977, ClinGen allele CA020081.

ClinVar aggregate classification (germline): Pathogenic/Likely pathogenic. Review status: criteria provided, multiple submitters, no conflicts (2 of 4 stars). 4 submissions from 4 submitters: Pathogenic (1); Likely pathogenic (3). Last evaluated 2025-06-19.

Conditions:
SMAD3-related disorder. Also called: SMAD3-related condition.
Familial thoracic aortic aneurysm and aortic dissection (TAAD). Also called: Thoracic aortic aneurysms and dissections. Identifiers: Orphanet 91387, MedGen C4707243, MONDO:0019625.
Aneurysm-osteoarthritis syndrome. Also called: SMAD3-Related Loeys-Dietz Syndrome; ANEURYSMS-OSTEOARTHRITIS SYNDROME; Loeys-Dietz syndrome, type 1C; LOEYS-DIETZ SYNDROME WITH OSTEOARTHRITIS. Identifiers: Orphanet 284984, MedGen C3151087, MONDO:0013426, OMIM 613795.

Submissions (4):

Labcorp Genetics (formerly Invitae), Labcorp
Classification: Pathogenic for Familial thoracic aortic aneurysm and aortic dissection. Last evaluated: 2025-06-19. Review status: criteria provided, single submitter. Criteria: Invitae Variant Classification Sherloc (09022015). Collection method: clinical testing. Allele origin: germline.
Comment: This sequence change replaces valine, which is neutral and non-polar, with methionine, which is neutral and non-polar, at codon 122 of the SMAD3 protein (p.Val122Met). This variant is not present in population databases (gnomAD no frequency). This missense change has been observed in individuals with SMAD3-related conditions (PMID: 30661052, 31915033; internal data). It has also been observed to segregate with disease in related individuals. ClinVar contains an entry for this variant (Variation ID: 155836). Invitae Evidence Modeling incorporating data from in vitro experimental studies (internal data) indicates that this missense variant is expected to disrupt SMAD3 function with a positive predictive value of 95%. For these reasons, this variant has been classified as Pathogenic.

Ambry Genetics
Classification: Likely pathogenic for Familial thoracic aortic aneurysm and aortic dissection. Last evaluated: 2024-01-09. Review status: criteria provided, single submitter. Criteria: Ambry Variant Classification Scheme 2023. Collection method: clinical testing. Allele origin: germline.
Comment: The p.V122M variant (also known as c.364G>A), located in coding exon 2 of the SMAD3 gene, results from a G to A substitution at nucleotide position 364. The valine at codon 122 is replaced by methionine, an amino acid with highly similar properties. This variant has been reported in individuals with features consistent with SMAD3-related Loeys-Dietz syndrome, and has shown segregation with disease features in a family (Hostetler EM et al. J Med Genet, 2019 Apr;56:252-260; Yang H et al. Orphanet J Rare Dis, 2020 Jan;15:6; external communication; Ambry internal data). This missense alteration is located in a region that has a low rate of benign missense variation (Lek M et al. Nature. 2016 Aug 18;536(7616):285-91; DECIPHER: Database of Chromosomal Imbalance and Phenotype in Humans using Ensembl Resources. Firth H.V. et al. 2009. Am.J.Hum.Genet. 84, 524-533 (DOI)). This variant is considered to be rare based on population cohorts in the Genome Aggregation Database (gnomAD). This amino acid position is highly conserved in available vertebrate species. In addition, this alteration is predicted to be deleterious by in silico analysis. Based on the majority of available evidence to date, this variant is likely to be pathogenic.

Victorian Clinical Genetics Services, Murdoch Childrens Research Institute
Classification: Likely pathogenic for Aneurysm-osteoarthritis syndrome. Last evaluated: 2022-03-31. Review status: criteria provided, single submitter. Criteria: ACMG Guidelines, 2015. Collection method: clinical testing. Allele origin: germline. Inheritance: Autosomal dominant inheritance.
Comment: Based on the classification scheme VCGS_Germline_v1.3.4, this variant is classified as Likely pathogenic. Following criteria are met: 0102 - Loss of function is a known mechanism of disease in this gene and is associated with Loeys-Dietz syndrome 3 (MIM#613795). However, dominant negative is also a suggested mechanism for some missense variants (PMID: 30661052). (I) 0107 - This gene is associated with autosomal dominant disease. (I) 0200 - Variant is predicted to result in a missense amino acid change from valine to methionine. (I) 0251 - This variant is heterozygous. (I) 0301 - Variant is absent from gnomAD (both v2 and v3). (SP) 0502 - Missense variant with conflicting in silico predictions and uninformative conservation. (I) 0600 - Variant is located in the annotated MH1 domain (DECIPHER). (I) 0705 - No comparable missense variants have previous evidence for pathogenicity. (I) 0808 - Previous reports of pathogenicity for this variant are conflicting. This variant has been reported as both likely pathogenic and as a VUS, and has been observed in two unrelated individuals with aortic disease (ClinVar, PMID: 31915033, PMID: 30661052). (I) 0903 - This variant has limited evidence for segregation with disease. This variant has segregated with disease in a single extended family with thoracic aortic dissection. The variant is absent in several unaffected relatives (PMID: 30661052, personal communication). (SP) 1007 - No published functional evidence has been identified for this variant. (I) 1208 - Inheritance information for this variant is not currently available in this individual. (I) Legend: (SP) - Supporting pathogenic, (I) - Information, (SB) - Supporting benign

Blueprint Genetics
Classification: Likely pathogenic for SMAD3-related disorders. Last evaluated: 2019-08-26. Review status: criteria provided, single submitter. Criteria: ACMG Guidelines, 2015. Collection method: clinical testing. Allele origin: germline. Affected: yes. Observed: 1 variant allele.

Literature cited by the submitters: PubMed 30661052 (cited by 3 submitters); PubMed 31915033 (cited by 3 submitters).